The following is an entry in ClinVar:

NM_144997.7(FLCN):c.199dup (p.Ala67fs)

Gene: FLCN (folliculin; minus strand). Cytogenetic location: 17p11.2.
Variant type: Duplication.
Coding change: c.199dup on transcript NM_144997.7 (MANE Select); coding-DNA position 199, one base duplicated (G; older notation c.199dupG).
Protein change: p.Ala67fs; shifts the reading frame from alanine 67.
Molecular consequence: frameshift variant.
Genome position (GRCh38, 1-based): chr17:17,227,939, C duplicated on the plus strand (G on the coding strand, the reverse complement: FLCN is on the minus strand); the first of 5 consecutive C bases (chr17:17,227,939-17,227,943); duplicating any one gives the same sequence. VCF-style (leftmost placement, unchanged base first): chr17-17227938-G-GC. GRCh37 (hg19) VCF-style: chr17-17131252-G-GC.
Other names: c.199dup, p.Ala67fs (NM_001353231.2, NM_144606.7, NM_001353229.2 and 1 more transcripts); c.199dupG (NM_144997.7, NM_144997.5); short protein forms A67fs.
Identifiers: ClinVar variation 2576263 (VCV002576263.4), dbSNP rs1555611438, ClinGen allele CA2580614016.

ClinVar aggregate classification (germline): Pathogenic. Review status: criteria provided, multiple submitters, no conflicts (2 of 4 stars). 3 submissions from 3 submitters: Pathogenic (2). 1 of the submissions does not count toward it. Last evaluated 2025-06-26.

Conditions:
Birt-Hogg-Dube syndrome. Also called: Birt Hogg Dubé syndrome. Identifiers: Orphanet 122, MedGen C0346010, MONDO:0800444.
Hereditary cancer-predisposing syndrome. Also called: Neoplastic Syndromes, Hereditary; Hereditary Cancer Syndrome; Tumor predisposition; Hereditary neoplastic syndrome. Identifiers: Orphanet 140162, MedGen C0027672, MeSH D009386, MONDO:0015356.

Submissions (3):

Ambry Genetics
Classification: Pathogenic for Hereditary cancer-predisposing syndrome. Last evaluated: 2025-06-26. Review status: criteria provided, single submitter. Criteria: Ambry Variant Classification Scheme 2023. Collection method: clinical testing. Allele origin: germline.
Comment: The c.199dupG pathogenic mutation, located in coding exon 1 of the FLCN gene, results from a duplication of G at nucleotide position 199, causing a translational frameshift with a predicted alternate stop codon (p.A67Gfs*33). This variant was reported in individual(s) with features consistent with Birt-Hogg-Dube syndrome (Namba Y et al. PLoS One, 2023 Jul;18:e0289175). This variant is considered to be rare based on population cohorts in the Genome Aggregation Database (gnomAD). This alteration is expected to result in loss of function by premature protein truncation or nonsense-mediated mRNA decay. As such, this alteration is interpreted as a disease-causing mutation.

Center for Genomic Medicine, Rigshospitalet, Copenhagen University Hospital
Classification: Pathogenic. Last evaluated: 2025-03-04. Review status: criteria provided, single submitter. Criteria: ACMG Guidelines, 2015. Collection method: clinical testing. Allele origin: germline.

Division of Respiratory Medicine of Juntendo University, Juntendo University Faculty of Medicine and Graduate School of Medicine
Classification: Pathogenic for Birt-Hogg-Dube syndrome 1. Last evaluated: 2023-07-01. Review status: no assertion criteria provided. Collection method: clinical testing. Allele origin: germline. Affected: yes. Not counted in ClinVar's aggregate classification.

Literature cited by the submitters: PubMed 27220747 (cited by Ambry Genetics); PubMed 37490463 (cited by Ambry Genetics).